The following is an entry in ClinVar:

ClinVar aggregate classification (germline): Likely benign (1 of 4 stars; one submission).

Submission:

GeneDx
Classification: Likely benign. Last evaluated: 2015-11-28. Review status: criteria provided, single submitter. Criteria: GeneDx Variant Classification (06012015). Collection method: clinical testing. Allele origin: germline. Affected: yes.
Comment: This variant is considered likely benign or benign based on one or more of the following criteria: it is a conservative change, it occurs at a poorly conserved position in the protein, it is predicted to be benign by multiple in silico algorithms, and/or has population frequency not consistent with disease.

NM_006031.6(PCNT):c.9352C>A (p.Pro3118Thr)

Gene: PCNT (pericentrin; plus strand). Cytogenetic location: 21q22.3.
Variant type: single nucleotide variant.
Coding change: c.9352C>A on transcript NM_006031.6 (MANE Select); coding-DNA position 9352, C replaced by A.
Protein change: p.Pro3118Thr; replaces proline 3118 with threonine.
Molecular consequence: missense variant.
Genome position (GRCh38, 1-based): chr21:46,440,161, C>A. VCF-style: chr21-46440161-C-A. GRCh37 (hg19) VCF-style: chr21-47860074-C-A.
Other names: c.8761C>A, p.Pro2921Thr (NM_001315529.2); short protein forms P3118T, P2921T.
Identifiers: ClinVar variation 381160 (VCV000381160.1), dbSNP rs1057520975, ClinGen allele CA16608551.